The following is an entry in ClinVar:

NM_000069.3(CACNA1S):c.4490T>C (p.Ile1497Thr)

Gene: CACNA1S (calcium voltage-gated channel subunit alpha1 S; minus strand). Cytogenetic location: 1q32.1.
Variant type: single nucleotide variant.
Coding change: c.4490T>C on transcript NM_000069.3 (MANE Select); coding-DNA position 4490, T replaced by C.
Protein change: p.Ile1497Thr; replaces isoleucine 1497 with threonine.
Molecular consequence: missense variant.
Genome position (GRCh38, 1-based): chr1:201,047,578, A>G on the plus strand (T>C on the coding strand, the complement: CACNA1S is on the minus strand). VCF-style: chr1-201047578-A-G. GRCh37 (hg19) VCF-style: chr1-201016706-A-G.
Other names: short protein forms I1497T.
Identifiers: ClinVar variation 566816 (VCV000566816.7), dbSNP rs752620158, ClinGen allele CA083387.

ClinVar aggregate classification (germline): Uncertain significance. Review status: criteria provided, multiple submitters, no conflicts (2 of 4 stars). 7 submissions from 4 submitters: Uncertain significance (7). Last evaluated 2025-10-02.

Conditions:
Hypokalemic periodic paralysis, type 1. Also called: HypoPP; Hypokalemic Periodic Paralysis Type 1 (AD). Identifiers: Orphanet 681, MedGen C3714580, MONDO:0042979, OMIM 170400.
Malignant hyperthermia, susceptibility to, 5 (MHS5). Also called: CACNA1S-Related Malignant Hyperthermia Susceptibility. Identifiers: Orphanet 423, MedGen C1866077, MONDO:0011163, OMIM 601887.
Thyrotoxic periodic paralysis, susceptibility to, 1 (TTPP1). Identifiers: Orphanet 79102, MedGen C2749982, MONDO:0008570, OMIM 188580.
Congenital myopathy 18. Also called: Myopathy, congenital, due to dihydropyridine receptor defect; DIHYDROPYRIDINE RECEPTOR CONGENITAL MYOPATHY; DHPR CONGENITAL MYOPATHY. Identifiers: MedGen C5830283, MONDO:0859514, OMIM 620246.

Allele frequency attached by ClinVar (database versions not stated): ExAC 0.00001; gnomAD 0.00001; gnomAD exomes 0.00001; TOPMed below 0.00001.
gnomAD v4.1: 11 of 1,614,048 alleles (0.00068%); highest among the groups gnomAD compares: Middle Eastern, 0.033%; no homozygotes.

Submissions (7):

Labcorp Genetics (formerly Invitae), Labcorp
Classification: Uncertain significance for Hypokalemic periodic paralysis, type 1; Malignant hyperthermia, susceptibility to, 5. Last evaluated: 2025-10-02. Review status: criteria provided, single submitter. Criteria: Invitae Variant Classification Sherloc (09022015). Collection method: clinical testing. Allele origin: germline.
Comment: This sequence change replaces isoleucine, which is neutral and non-polar, with threonine, which is neutral and polar, at codon 1497 of the CACNA1S protein (p.Ile1497Thr). This variant is present in population databases (rs752620158, gnomAD 0.002%). This variant has not been reported in the literature in individuals affected with CACNA1S-related conditions. ClinVar contains an entry for this variant (Variation ID: 566816). Invitae Evidence Modeling of protein sequence and biophysical properties (such as structural, functional, and spatial information, amino acid conservation, physicochemical variation, residue mobility, and thermodynamic stability) has been performed for this missense variant. However, the output from this modeling did not meet the statistical confidence thresholds required to predict the impact of this variant on CACNA1S protein function. In summary, the available evidence is currently insufficient to determine the role of this variant in disease. Therefore, it has been classified as a Variant of Uncertain Significance.

Color Diagnostics, LLC DBA Color Health
Classification: Uncertain significance for Malignant hyperthermia, susceptibility to, 5. Last evaluated: 2024-06-18. Review status: criteria provided, single submitter. Criteria: ACMG Guidelines, 2015. Collection method: clinical testing. Allele origin: germline.
Comment: This missense variant replaces isoleucine with threonine at codon 1497 of the CACNA1S protein. Computational prediction is inconclusive regarding the impact of this variant on protein structure and function. To our knowledge, functional studies have not been reported for this variant. This variant has not been reported in individuals affected with CACNA1S-related disorders in the literature. This variant has been identified in 2/251428 chromosomes in the general population by the Genome Aggregation Database (gnomAD). The available evidence is insufficient to determine the role of this variant in disease conclusively. Therefore, this variant is classified as a Variant of Uncertain Significance.

Genome-Nilou Lab
Classification: Uncertain significance for Malignant hyperthermia, susceptibility to, 5. Last evaluated: 2023-04-11. Review status: criteria provided, single submitter. Criteria: ACMG Guidelines, 2015. Collection method: clinical testing. Allele origin: germline. Affected: no.

Genome-Nilou Lab
Classification: Uncertain significance for Thyrotoxic periodic paralysis, susceptibility to, 1. Last evaluated: 2023-04-11. Review status: criteria provided, single submitter. Criteria: ACMG Guidelines, 2015. Collection method: clinical testing. Allele origin: germline. Affected: no.

Genome-Nilou Lab
Classification: Uncertain significance for Congenital myopathy 18. Last evaluated: 2023-04-11. Review status: criteria provided, single submitter. Criteria: ACMG Guidelines, 2015. Collection method: clinical testing. Allele origin: germline. Affected: no.

Genome-Nilou Lab
Classification: Uncertain significance for Hypokalemic periodic paralysis, type 1. Last evaluated: 2023-04-11. Review status: criteria provided, single submitter. Criteria: ACMG Guidelines, 2015. Collection method: clinical testing. Allele origin: germline. Affected: no.

Fulgent Genetics
Classification: Uncertain significance for Hypokalemic periodic paralysis, type 1; Thyrotoxic periodic paralysis, susceptibility to, 1; Malignant hyperthermia, susceptibility to, 5. Last evaluated: 2021-10-07. Review status: criteria provided, single submitter. Criteria: ACMG Guidelines, 2015. Collection method: clinical testing. Allele origin: unknown.